The following is an entry in ClinVar:

NM_004385.5(VCAN):c.292A>G (p.Lys98Glu)

Gene: VCAN (versican; plus strand). Cytogenetic location: 5q14.2.
Variant type: single nucleotide variant.
Coding change: c.292A>G on transcript NM_004385.5 (MANE Select); coding-DNA position 292, A replaced by G.
Protein change: p.Lys98Glu; replaces lysine 98 with glutamic acid.
Molecular consequence: missense variant.
Genome position (GRCh38, 1-based): chr5:83,490,319, A>G. VCF-style: chr5-83490319-A-G. GRCh37 (hg19) VCF-style: chr5-82786138-A-G.
Other names: c.292A>G, p.Lys98Glu (NM_001126336.3, NM_001164097.2, NM_001164098.2); short protein forms K98E.
Identifiers: ClinVar variation 4702547 (VCV004702547.1).

ClinVar aggregate classification (germline): Uncertain significance (1 of 4 stars; one submission).

gnomAD v4.1: 17 of 1,614,194 alleles (0.0011%); highest among the groups gnomAD compares: Non-Finnish European, 0.0013%; no homozygotes.

Submission:

Labcorp Genetics (formerly Invitae), Labcorp
Classification: Uncertain significance. Last evaluated: 2025-03-30. Review status: criteria provided, single submitter. Criteria: Invitae Variant Classification Sherloc (09022015). Collection method: clinical testing. Allele origin: germline.
Comment: This sequence change replaces lysine, which is basic and polar, with glutamic acid, which is acidic and polar, at codon 98 of the VCAN protein (p.Lys98Glu). This variant is not present in population databases (gnomAD no frequency). This variant has not been reported in the literature in individuals affected with VCAN-related conditions. An algorithm developed to predict the effect of missense changes on protein structure and function (PolyPhen-2) suggests that this variant is likely to be tolerated. In summary, the available evidence is currently insufficient to determine the role of this variant in disease. Therefore, it has been classified as a Variant of Uncertain Significance.